The following is an entry in ClinVar:

ClinVar aggregate classification (germline): Uncertain significance. Review status: criteria provided, multiple submitters, no conflicts (2 of 4 stars). 4 submissions from 4 submitters: Uncertain significance (3). 1 of the submissions does not count toward it. Last evaluated 2025-06-17.

Conditions:
Inborn genetic diseases. Identifiers: MedGen C0950123, MeSH D030342.
Retinal dystrophy. Also called: Inherited retinal dystrophy. Identifiers: Orphanet 71862, MedGen C0854723, MeSH D058499, MONDO:0019118, HP:0000556.

Allele frequency attached by ClinVar (database versions not stated): gnomAD exomes below 0.00001 and 0.00001; TOPMed 0.00001.
gnomAD v4.1: 7 of 1,614,222 alleles (0.00043%); highest among the groups gnomAD compares: South Asian, 0.0055%; no homozygotes.

Submissions (4):

Ambry Genetics
Classification: Uncertain significance for Inborn genetic diseases. Last evaluated: 2025-06-17. Review status: criteria provided, single submitter. Criteria: Ambry Variant Classification Scheme 2023. Collection method: clinical testing. Allele origin: germline.

Blueprint Genetics
Classification: Uncertain significance. Last evaluated: 2023-09-20. Review status: criteria provided, single submitter. Criteria: ACMG Guidelines, 2015. Collection method: clinical testing. Allele origin: germline.

Labcorp Genetics (formerly Invitae), Labcorp
Classification: Uncertain significance. Last evaluated: 2022-01-19. Review status: criteria provided, single submitter. Criteria: Invitae Variant Classification Sherloc (09022015). Collection method: clinical testing. Allele origin: germline.
Comment: This sequence change replaces tryptophan, which is neutral and slightly polar, with leucine, which is neutral and non-polar, at codon 16 of the KCNV2 protein (p.Trp16Leu). This variant is present in population databases (no rsID available, gnomAD 0.003%). This variant has not been reported in the literature in individuals affected with KCNV2-related conditions. ClinVar contains an entry for this variant (Variation ID: 1045733). Algorithms developed to predict the effect of missense changes on protein structure and function are either unavailable or do not agree on the potential impact of this missense change (SIFT: "Tolerated"; PolyPhen-2: "Possibly Damaging"; Align-GVGD: "Class C0"). In summary, the available evidence is currently insufficient to determine the role of this variant in disease. Therefore, it has been classified as a Variant of Uncertain Significance.

Institute of Human Genetics, Univ. Regensburg, Univ. Regensburg
Classification: Uncertain significance for Retinal dystrophy. Last evaluated: 2023-01-01. Review status: no assertion criteria provided. Criteria: ACMG Guidelines, 2015. Collection method: clinical testing. Allele origin: germline. Affected: yes. Not counted in ClinVar's aggregate classification.

NM_133497.4(KCNV2):c.47G>T (p.Trp16Leu)

Gene: KCNV2 (potassium voltage-gated channel modifier subfamily V member 2; plus strand). Cytogenetic location: 9p24.2.
Variant type: single nucleotide variant.
Coding change: c.47G>T on transcript NM_133497.4 (MANE Select); coding-DNA position 47, G replaced by T.
Protein change: p.Trp16Leu; replaces tryptophan 16 with leucine.
Molecular consequence: missense variant.
Genome position (GRCh38, 1-based): chr9:2,717,786, G>T. VCF-style: chr9-2717786-G-T. GRCh37 (hg19) VCF-style: chr9-2717786-G-T.
Other names: c.47G>T (NM_133497.3); short protein forms W16L.
Identifiers: ClinVar variation 1045733 (VCV001045733.9), dbSNP rs1339778237, ClinGen allele CA372795510.